The following is an entry in ClinVar:

ClinVar aggregate classification (germline): Likely benign. Review status: criteria provided, single submitter (1 of 4 stars). 2 submissions from 2 submitters: Likely benign (1). 1 of the submissions does not count toward it. Last evaluated 2025-02-01.

Conditions:
NFKB1-related disorder. Also called: NFKB1-related condition.

Allele frequency attached by ClinVar (database versions not stated): ExAC 0.00001; gnomAD exomes 0.00001; ESP Exome Variant Server 0.00008.
gnomAD v4.1: 7 of 1,613,808 alleles (0.00043%); highest among the groups gnomAD compares: Non-Finnish European, 0.00059%; no homozygotes.

Submissions (2):

Labcorp Genetics (formerly Invitae), Labcorp
Classification: Likely benign. Last evaluated: 2025-02-01. Review status: criteria provided, single submitter. Criteria: Invitae Variant Classification Sherloc (09022015). Collection method: clinical testing. Allele origin: germline.

PreventionGenetics, part of Exact Sciences
Classification: Likely benign for NFKB1-related condition. Last evaluated: 2023-10-12. Review status: no assertion criteria provided. Collection method: clinical testing. Allele origin: germline. Not counted in ClinVar's aggregate classification.
Comment: This variant is classified as likely benign based on ACMG/AMP sequence variant interpretation guidelines (Richards et al. 2015 PMID: 25741868, with internal and published modifications).

NM_003998.4(NFKB1):c.798G>A (p.Gly266=)

Gene: NFKB1 (nuclear factor kappa B subunit 1; plus strand). Cytogenetic location: 4q24.
Variant type: single nucleotide variant.
Coding change: c.798G>A on transcript NM_003998.4 (MANE Select); coding-DNA position 798, G replaced by A.
Protein change: p.Gly266=; no amino-acid change (glycine 266 retained).
Molecular consequence: synonymous variant.
Genome position (GRCh38, 1-based): chr4:102,580,602, G>A. VCF-style: chr4-102580602-G-A. GRCh37 (hg19) VCF-style: chr4-103501759-G-A.
Other names: c.798G>A (NM_003998.3); c.795G>A, p.Gly265= (NM_001165412.2, NM_001319226.2, NM_001382627.1); c.798G>A, p.Gly266= (NM_001382625.1, NM_001382626.1); c.756G>A, p.Gly252= (NM_001382628.1).
Identifiers: ClinVar variation 2956596 (VCV002956596.5), dbSNP rs376678247, ClinGen allele CA3025995.